The following is an entry in ClinVar:

NM_001754.5(RUNX1):c.1060A>G (p.Thr354Ala)

Gene: RUNX1 (RUNX family transcription factor 1; minus strand). Cytogenetic location: 21q22.12.
Variant type: single nucleotide variant.
Coding change: c.1060A>G on transcript NM_001754.5 (MANE Select); coding-DNA position 1060, A replaced by G.
Protein change: p.Thr354Ala; replaces threonine 354 with alanine.
Molecular consequence: missense variant.
Genome position (GRCh38, 1-based): chr21:34,792,518, T>C on the plus strand (A>G on the coding strand, the complement: RUNX1 is on the minus strand). VCF-style: chr21-34792518-T-C. GRCh37 (hg19) VCF-style: chr21-36164815-T-C.
Other names: c.979A>G, p.Thr327Ala (NM_001001890.3); short protein forms T327A, T354A.
Identifiers: ClinVar variation 3948856 (VCV003948856.1).

ClinVar aggregate classification (germline): Uncertain significance (1 of 4 stars; one submission).

Conditions:
Inborn genetic diseases. Identifiers: MedGen C0950123, MeSH D030342.

Submission:

Ambry Genetics
Classification: Uncertain significance for Inborn genetic diseases. Last evaluated: 2025-04-04. Review status: criteria provided, single submitter. Criteria: Ambry Variant Classification Scheme 2023. Collection method: clinical testing. Allele origin: germline.
Comment: The p.T354A variant (also known as c.1060A>G), located in coding exon 8 of the RUNX1 gene, results from an A to G substitution at nucleotide position 1060. The threonine at codon 354 is replaced by alanine, an amino acid with similar properties. This amino acid position is conserved. In addition, this alteration is predicted to be tolerated by in silico analysis. Based on the available evidence, the clinical significance of this variant remains unclear.